The following is an entry in ClinVar:

NM_182641.4(BPTF):c.5805A>G (p.Pro1935=)

Gene: BPTF (bromodomain PHD finger transcription factor; plus strand). Cytogenetic location: 17q24.2.
Variant type: single nucleotide variant.
Coding change: c.5805A>G on transcript NM_182641.4 (MANE Select); coding-DNA position 5805, A replaced by G.
Protein change: p.Pro1935=; no amino-acid change (proline 1935 retained).
Molecular consequence: synonymous variant.
Genome position (GRCh38, 1-based): chr17:67,928,408, A>G. VCF-style: chr17-67928408-A-G. GRCh37 (hg19) VCF-style: chr17-65924524-A-G.
Other names: c.6183A>G, p.Pro2061= (NM_004459.7); c.5805A>G (NM_182641.3).
Identifiers: ClinVar variation 781388 (VCV000781388.12), dbSNP rs73338705, ClinGen allele CA8726042.

ClinVar aggregate classification (germline): Benign. Review status: criteria provided, multiple submitters, no conflicts (2 of 4 stars). 3 submissions from 3 submitters: Benign (2). 1 of the submissions does not count toward it. Last evaluated 2026-01-19.

Conditions:
BPTF-related disorder. Also called: BPTF-related condition.

Allele frequency attached by ClinVar (database versions not stated): gnomAD exomes 0.00218 and 0.00593; ExAC 0.00727; gnomAD 0.02314 and 0.02470; ESP Exome Variant Server 0.02437; 1000 Genomes Project 0.02476; TOPMed 0.02615; 1000 Genomes Project 30x 0.02873.
gnomAD v4.1: 6,881 of 1,614,014 alleles (0.43%); highest among the groups gnomAD compares: African/African-American, 8%; 251 homozygotes.

Submissions (3):

Labcorp Genetics (formerly Invitae), Labcorp
Classification: Benign. Last evaluated: 2026-01-19. Review status: criteria provided, single submitter. Criteria: Invitae Variant Classification Sherloc (09022015). Collection method: clinical testing. Allele origin: germline.

Breakthrough Genomics
Classification: Benign. Review status: criteria provided, single submitter. Criteria: ACMG Guidelines, 2015. Collection method: not provided. Allele origin: germline. Inheritance: Autosomal dominant inheritance. Affected: yes.

PreventionGenetics, part of Exact Sciences
Classification: Benign for BPTF-related condition. Last evaluated: 2019-05-06. Review status: no assertion criteria provided. Collection method: clinical testing. Allele origin: germline. Not counted in ClinVar's aggregate classification.
Comment: This variant is classified as benign based on ACMG/AMP sequence variant interpretation guidelines (Richards et al. 2015 PMID: 25741868, with internal and published modifications).